The following is an entry in ClinVar:

ClinVar aggregate classification (germline): Uncertain significance (1 of 4 stars; one submission).

Submission:

Labcorp Genetics (formerly Invitae), Labcorp
Classification: Uncertain significance. Last evaluated: 2024-06-26. Review status: criteria provided, single submitter. Criteria: Invitae Variant Classification Sherloc (09022015). Collection method: clinical testing. Allele origin: germline.
Comment: This sequence change replaces isoleucine, which is neutral and non-polar, with threonine, which is neutral and polar, at codon 276 of the KLF11 protein (p.Ile276Thr). This variant is present in population databases (no rsID available, gnomAD 0.003%). This variant has not been reported in the literature in individuals affected with KLF11-related conditions. An algorithm developed to predict the effect of missense changes on protein structure and function (PolyPhen-2) suggests that this variant is likely to be tolerated. In summary, the available evidence is currently insufficient to determine the role of this variant in disease. Therefore, it has been classified as a Variant of Uncertain Significance.

NM_003597.5(KLF11):c.827T>C (p.Ile276Thr)

Gene: KLF11 (KLF transcription factor 11; plus strand). Cytogenetic location: 2p25.1.
Variant type: single nucleotide variant.
Coding change: c.827T>C on transcript NM_003597.5 (MANE Select); coding-DNA position 827, T replaced by C.
Protein change: p.Ile276Thr; replaces isoleucine 276 with threonine.
Molecular consequence: missense variant.
Genome position (GRCh38, 1-based): chr2:10,048,164, T>C. VCF-style: chr2-10048164-T-C. GRCh37 (hg19) VCF-style: chr2-10188291-T-C.
Other names: c.776T>C, p.Ile259Thr (NM_001177716.2, NM_001177718.2); short protein forms I259T, I276T.
Identifiers: ClinVar variation 3698856 (VCV003698856.2).